The following is an entry in ClinVar:

NM_005219.5(DIAPH1):c.3175C>G (p.Leu1059Val)

Gene: DIAPH1 (diaphanous related formin 1; minus strand). Cytogenetic location: 5q31.3.
Variant type: single nucleotide variant.
Coding change: c.3175C>G on transcript NM_005219.5 (MANE Select); coding-DNA position 3175, C replaced by G.
Protein change: p.Leu1059Val; replaces leucine 1059 with valine.
Molecular consequence: missense variant.
Genome position (GRCh38, 1-based): chr5:141,527,671, G>C on the plus strand (C>G on the coding strand, the complement: DIAPH1 is on the minus strand). VCF-style: chr5-141527671-G-C. GRCh37 (hg19) VCF-style: chr5-140907238-G-C.
Other names: c.3148C>G, p.Leu1050Val (NM_001079812.3); c.3175C>G, p.Leu1059Val (NM_001314007.2); short protein forms L1059V, L1050V.
Identifiers: ClinVar variation 578663 (VCV000578663.12), dbSNP rs200394036, ClinGen allele CA3478844.

ClinVar aggregate classification (germline): Conflicting classifications of pathogenicity. Review status: criteria provided, conflicting classifications (1 of 4 stars). 2 submissions from 2 submitters: Uncertain significance (1); Benign (1). Last evaluated 2025-06-29.

Conditions:
Autosomal dominant nonsyndromic hearing loss 1. Also called: KONIGSMARK SYNDROME; DEAFNESS, AUTOSOMAL DOMINANT 1, WITH OR WITHOUT THROMBOCYTOPENIA. Identifiers: Orphanet 90635, MedGen C1852282, MONDO:0007424, OMIM 124900.
Progressive microcephaly-seizures-cortical blindness-developmental delay syndrome. Also called: Seizures, cortical blindness, and microcephaly syndrome. Identifiers: Orphanet 477814, MedGen C5567650, MONDO:0014714, OMIM 616632.

Allele frequency attached by ClinVar (database versions not stated): TOPMed 0.00002; gnomAD 0.00004; gnomAD exomes 0.00010; ExAC 0.00013.
gnomAD v4.1: 79 of 1,469,974 alleles (0.0054%); highest among the groups gnomAD compares: East Asian, 0.2%; no homozygotes.

Submissions (2):

Labcorp Genetics (formerly Invitae), Labcorp
Classification: Uncertain significance for Progressive microcephaly-seizures-cortical blindness-developmental delay syndrome; Autosomal dominant nonsyndromic hearing loss 1. Last evaluated: 2025-06-29. Review status: criteria provided, single submitter. Criteria: Invitae Variant Classification Sherloc (09022015). Collection method: clinical testing. Allele origin: germline.
Comment: This sequence change replaces leucine, which is neutral and non-polar, with valine, which is neutral and non-polar, at codon 1059 of the DIAPH1 protein (p.Leu1059Val). This variant is present in population databases (rs200394036, gnomAD 0.2%). This variant has not been reported in the literature in individuals affected with DIAPH1-related conditions. ClinVar contains an entry for this variant (Variation ID: 578663). An algorithm developed to predict the effect of missense changes on protein structure and function (PolyPhen-2) suggests that this variant is likely to be disruptive. In summary, the available evidence is currently insufficient to determine the role of this variant in disease. Therefore, it has been classified as a Variant of Uncertain Significance.

Laboratory for Molecular Medicine, Mass General Brigham Personalized Medicine
Classification: Benign. Last evaluated: 2021-04-19. Review status: criteria provided, single submitter. Criteria: ACMG Guidelines, 2015. Collection method: clinical testing. Allele origin: germline.
Comment: The p.Leu1059Val variant in DIAPH1 is classified as benign because it has been identified in 0.147% (28/19048) of East Asian chromosomes by gnomAD. ACMG/AMP Criteria applied: BA1.